The following is an entry in ClinVar:

ClinVar aggregate classification (germline): Conflicting classifications of pathogenicity. Review status: criteria provided, conflicting classifications (1 of 4 stars). 5 submissions from 5 submitters: Likely pathogenic (3); Uncertain significance (2). Last evaluated 2026-02-11.

Conditions:
Neurodegeneration with brain iron accumulation 6 (NBIA6). Also called: COASY protein-associated neurodegeneration. Identifiers: Orphanet 397725, MedGen C4517377, MONDO:0014290, OMIM 615643.
Pontocerebellar hypoplasia, type 12. Identifiers: Orphanet 611256, MedGen C4748873, MONDO:0032643, OMIM 618266.
Neurodegeneration with brain iron accumulation (NBIA). Identifiers: Orphanet 385, MedGen C2931845, MONDO:0018307.

Allele frequency attached by ClinVar (database versions not stated): TOPMed 0.00001; gnomAD exomes 0.00002; ExAC 0.00003.

Submissions (5):

GeneDx
Classification: Uncertain significance. Last evaluated: 2026-02-11. Review status: criteria provided, single submitter. Criteria: GeneDx Variant Classification Process June 2021. Collection method: clinical testing. Allele origin: germline.
Comment: Canonical splice site variant predicted to result in a null allele in a gene for which loss of function is a known mechanism of disease; Has not been previously published as pathogenic or benign to our knowledge

Labcorp Genetics (formerly Invitae), Labcorp
Classification: Likely pathogenic for Neurodegeneration with brain iron accumulation 6. Last evaluated: 2025-12-21. Review status: criteria provided, single submitter. Criteria: Invitae Variant Classification Sherloc (09022015). Collection method: clinical testing. Allele origin: germline.
Comment: This sequence change affects a donor splice site in intron 4 of the COASY gene. It is expected to disrupt RNA splicing. Variants that disrupt the donor or acceptor splice site typically lead to a loss of protein function (PMID: 16199547), and loss-of-function variants in COASY are known to be pathogenic (PMID: 24360804, 30089828). This variant is present in population databases (rs770235902, gnomAD 0.05%). This variant has not been reported in the literature in individuals affected with COASY-related conditions. ClinVar contains an entry for this variant (Variation ID: 808273). Algorithms developed to predict the effect of sequence changes on RNA splicing suggest that this variant may disrupt the consensus splice site. In summary, the currently available evidence indicates that the variant is pathogenic, but additional data are needed to prove that conclusively. Therefore, this variant has been classified as Likely Pathogenic.

Women's Health and Genetics/Laboratory Corporation of America, LabCorp
Classification: Likely pathogenic for Neurodegeneration with brain iron accumulation. Last evaluated: 2023-12-15. Review status: criteria provided, single submitter. Criteria: LabCorp Variant Classification Summary - May 2015. Collection method: clinical testing. Allele origin: germline.
Comment: Variant summary: COASY c.1237+1G>C is located in a canonical splice-site and is predicted to affect mRNA splicing resulting in a significantly altered protein due to either exon skipping, shortening, or inclusion of intronic material. Several computational tools predict a significant impact on normal splicing: Four predict the variant abolishes a 5' splicing donor site. However, these predictions have yet to be confirmed by functional studies. The variant allele was found at a frequency of 2.4e-05 in 250230 control chromosomes. To our knowledge, no occurrence of c.1237+1G>C in individuals affected with Neurodegeneration With Brain Iron Accumulation and no experimental evidence demonstrating its impact on protein function have been reported. One submitter has cited clinical-significance assessments for this variant to ClinVar after 2014 and has classified the variant as uncertain significance. Based on the evidence outlined above, the variant was classified as likely pathogenic.

Department of Pathology and Laboratory Medicine, Sinai Health System
Classification: Likely pathogenic for Neurodegeneration with brain iron accumulation 6; Pontocerebellar hypoplasia, type 12. Last evaluated: 2022-04-26. Review status: criteria provided, single submitter. Criteria: ACMG Guidelines, 2015. Collection method: research. Allele origin: germline.

CeGaT Center for Human Genetics Tuebingen
Classification: Uncertain significance. Last evaluated: 2018-08-01. Review status: criteria provided, single submitter. Criteria: CeGaT Center For Human Genetics Tuebingen Variant Classification Criteria Version 2. Collection method: clinical testing. Allele origin: germline. Affected: yes. Observed: 1 variant allele.

Literature cited by the submitters: PubMed 16199547 (cited by Labcorp Genetics (formerly Invitae), Labcorp); PubMed 24360804 (cited by Labcorp Genetics (formerly Invitae), Labcorp); PubMed 30089828 (cited by Labcorp Genetics (formerly Invitae), Labcorp).

NM_025233.7(COASY):c.1237+1G>C

Gene: COASY (Coenzyme A synthase; plus strand). Cytogenetic location: 17q21.2.
Variant type: single nucleotide variant.
Coding change: c.1237+1G>C on transcript NM_025233.7 (MANE Select); the canonical splice donor site of the intron after coding-DNA position 1237, G replaced by C.
Molecular consequence: splice donor variant.
Genome position (GRCh38, 1-based): chr17:42,564,899, G>C. VCF-style: chr17-42564899-G-C. GRCh37 (hg19) VCF-style: chr17-40716917-G-C.
Other names: c.1324+1G>C (NM_001042532.4); c.1237+1G>C (NM_001042529.3).
Identifiers: ClinVar variation 808273 (VCV000808273.46), dbSNP rs770235902, ClinGen allele CA8578226.